The following is an entry in ClinVar:

ClinVar aggregate classification (germline): Uncertain significance. Review status: criteria provided, multiple submitters, no conflicts (2 of 4 stars). 2 submissions from 2 submitters: Uncertain significance (2). Last evaluated 2024-04-17.

Conditions:
Donnai-Barrow syndrome. Also called: DBS/FOAR SYNDROME; FACIOOCULOACOUSTICORENAL SYNDROME. Identifiers: Orphanet 2143, MedGen C1857277, MONDO:0009104, OMIM 222448.

Allele frequency attached by ClinVar (database versions not stated): gnomAD exomes below 0.00001; ExAC 0.00001; TOPMed 0.00001; gnomAD 0.00002.

Submissions (2):

Fulgent Genetics
Classification: Uncertain significance for Donnai-Barrow syndrome. Last evaluated: 2024-04-17. Review status: criteria provided, single submitter. Criteria: ACMG Guidelines, 2015. Collection method: clinical testing. Allele origin: germline.

Labcorp Genetics (formerly Invitae), Labcorp
Classification: Uncertain significance. Last evaluated: 2021-08-30. Review status: criteria provided, single submitter. Criteria: Invitae Variant Classification Sherloc (09022015). Collection method: clinical testing. Allele origin: germline.
Comment: This sequence change replaces glycine with arginine at codon 534 of the LRP2 protein (p.Gly534Arg). The glycine residue is highly conserved and there is a moderate physicochemical difference between glycine and arginine. This variant is present in population databases (rs781156096, ExAC 0.001%). This variant has not been reported in the literature in individuals affected with LRP2-related conditions. Advanced modeling of protein sequence and biophysical properties (such as structural, functional, and spatial information, amino acid conservation, physicochemical variation, residue mobility, and thermodynamic stability) performed at Invitae indicates that this missense variant is not expected to disrupt LRP2 protein function. In summary, the available evidence is currently insufficient to determine the role of this variant in disease. Therefore, it has been classified as a Variant of Uncertain Significance.

NM_004525.3(LRP2):c.1600G>C (p.Gly534Arg)

Gene: LRP2 (LDL receptor related protein 2; minus strand). Cytogenetic location: 2q31.1.
Variant type: single nucleotide variant.
Coding change: c.1600G>C on transcript NM_004525.3 (MANE Select); coding-DNA position 1600, G replaced by C.
Protein change: p.Gly534Arg; replaces glycine 534 with arginine.
Molecular consequence: missense variant.
Genome position (GRCh38, 1-based): chr2:169,277,917, C>G on the plus strand (G>C on the coding strand, the complement: LRP2 is on the minus strand). VCF-style: chr2-169277917-C-G. GRCh37 (hg19) VCF-style: chr2-170134427-C-G.
Other names: short protein forms G534R.
Identifiers: ClinVar variation 1389344 (VCV001389344.7), dbSNP rs781156096, ClinGen allele CA1955512.